The following is an entry in ClinVar:

NM_182961.4(SYNE1):c.22772G>A (p.Gly7591Glu)

Gene: SYNE1 (spectrin repeat containing nuclear envelope protein 1; minus strand). Cytogenetic location: 6q25.2.
Variant type: single nucleotide variant.
Coding change: c.22772G>A on transcript NM_182961.4 (MANE Select); coding-DNA position 22772, G replaced by A.
Protein change: p.Gly7591Glu; replaces glycine 7591 with glutamic acid.
Molecular consequence: missense variant.
Genome position (GRCh38, 1-based): chr6:152,208,024, C>T on the plus strand (G>A on the coding strand, the complement: SYNE1 is on the minus strand). VCF-style: chr6-152208024-C-T. GRCh37 (hg19) VCF-style: chr6-152529159-C-T.
Other names: c.22559G>A (NM_033071.3); c.22559G>A, p.Gly7520Glu (NM_033071.5); short protein forms G7520E, G7591E.
Identifiers: ClinVar variation 498617 (VCV000498617.9), dbSNP rs540603947, ClinGen allele CA4053802.

ClinVar aggregate classification (germline): Uncertain significance. Review status: criteria provided, multiple submitters, no conflicts (2 of 4 stars). 3 submissions from 3 submitters: Uncertain significance (3). Last evaluated 2022-07-23.

Conditions:
Emery-Dreifuss muscular dystrophy 4, autosomal dominant (EDMD4). Also called: EMERY-DREIFUSS MUSCULAR DYSTROPHY 4 WITH VARIABLE FEATURES. Identifiers: Orphanet 261, MedGen C2751807, MONDO:0013071, OMIM 612998.
Autosomal recessive ataxia, Beauce type. Also called: SYNE1-Related Autosomal Recessive Cerebellar Ataxia; Spinocerebellar ataxia, autosomal recessive 8; ATAXIA, RECESSIVE, OF BEAUCE; SYNE1 Deficiency. Identifiers: Orphanet 88644, MedGen C1853116, MONDO:0012549, OMIM 610743.

Allele frequency attached by ClinVar (database versions not stated): ExAC 0.00001; gnomAD 0.00001; gnomAD exomes 0.00002; TOPMed 0.00003; 1000 Genomes Project 30x 0.00016; 1000 Genomes Project 0.00020.
gnomAD v4.1: 5 of 1,614,156 alleles (0.00031%); highest among the groups gnomAD compares: Admixed American, 0.005%; no homozygotes.

Submissions (3):

Labcorp Genetics (formerly Invitae), Labcorp
Classification: Uncertain significance for Emery-Dreifuss muscular dystrophy 4, autosomal dominant; Autosomal recessive ataxia, Beauce type. Last evaluated: 2022-07-23. Review status: criteria provided, single submitter. Criteria: Invitae Variant Classification Sherloc (09022015). Collection method: clinical testing. Allele origin: germline.
Comment: This sequence change replaces glycine, which is neutral and non-polar, with glutamic acid, which is acidic and polar, at codon 7520 of the SYNE1 protein (p.Gly7520Glu). This variant is present in population databases (rs540603947, gnomAD 0.01%). This variant has not been reported in the literature in individuals affected with SYNE1-related conditions. ClinVar contains an entry for this variant (Variation ID: 498617). Algorithms developed to predict the effect of missense changes on protein structure and function are either unavailable or do not agree on the potential impact of this missense change (SIFT: "Deleterious"; PolyPhen-2: "Benign"; Align-GVGD: "Class C65"). In summary, the available evidence is currently insufficient to determine the role of this variant in disease. Therefore, it has been classified as a Variant of Uncertain Significance.

Revvity Omics, Revvity
Classification: Uncertain significance. Last evaluated: 2020-01-05. Review status: criteria provided, single submitter. Criteria: ACMG Guidelines, 2015. Collection method: clinical testing. Allele origin: germline.

Eurofins Ntd Llc (ga)
Classification: Uncertain significance. Last evaluated: 2016-12-04. Review status: criteria provided, single submitter. Criteria: EGL Classification Definitions 2015. Collection method: clinical testing. Allele origin: germline. Observed: 1 variant allele, 1 heterozygote.